The following is an entry in ClinVar:

NM_005548.3(KARS1):c.916-85A>G

Gene: KARS1 (lysyl-tRNA synthetase 1; minus strand). Cytogenetic location: 16q23.1.
Variant type: single nucleotide variant.
Coding change: c.916-85A>G on transcript NM_005548.3 (MANE Select); 85 bases into the intron before coding-DNA position 916, A replaced by G.
Molecular consequence: intron variant.
Genome position (GRCh38, 1-based): chr16:75,631,940, T>C on the plus strand (A>G on the coding strand, the complement: KARS1 is on the minus strand). VCF-style: chr16-75631940-T-C. GRCh37 (hg19) VCF-style: chr16-75665838-T-C.
Other names: c.1000-85A>G (NM_001130089.2); c.448-85A>G (NM_001378148.1).
Identifiers: ClinVar variation 679026 (VCV000679026.2), dbSNP rs148298278, ClinGen allele CA14268902.

ClinVar aggregate classification (germline): Likely benign. Review status: criteria provided, multiple submitters, no conflicts (2 of 4 stars). 2 submissions from 2 submitters: Likely benign (2). Last evaluated 2018-06-15.

Allele frequency attached by ClinVar (database versions not stated): 1000 Genomes Project 0.01038; 1000 Genomes Project 30x 0.01093; TOPMed 0.01563; gnomAD 0.01594 and 0.01595.
gnomAD v4.1: 33,632 of 1,510,804 alleles (2.2%); highest among the groups gnomAD compares: Middle Eastern, 2.9%; 460 homozygotes.

Submissions (2):

GeneDx
Classification: Likely benign. Last evaluated: 2018-06-15. Review status: criteria provided, single submitter. Criteria: GeneDx Variant Classification (06012015). Collection method: clinical testing. Allele origin: germline. Affected: yes.
Comment: This variant is considered likely benign or benign based on one or more of the following criteria: it is a conservative change, it occurs at a poorly conserved position in the protein, it is predicted to be benign by multiple in silico algorithms, and/or has population frequency not consistent with disease.

Breakthrough Genomics
Classification: Likely benign. Review status: criteria provided, single submitter. Criteria: ACMG Guidelines, 2015. Collection method: not provided. Allele origin: germline. Inheritance: Autosomal recessive inheritance. Affected: yes.